The following is an entry in ClinVar:

ClinVar aggregate classification (germline): Conflicting classifications of pathogenicity. Review status: criteria provided, conflicting classifications (1 of 4 stars). 2 submissions from 2 submitters: Uncertain significance (1); Likely benign (1). Last evaluated 2023-02-15.

Conditions:
Inborn genetic diseases. Identifiers: MedGen C0950123, MeSH D030342.
Megalencephaly-polymicrogyria-postaxial polydactyly-hydrocephalus syndrome. Also called: MPPH Syndrome; MEG-PMG-MEGACC SYNDROME. Identifiers: Orphanet 83473, MedGen C1863924, MONDO:0019375.

Allele frequency attached by ClinVar (database versions not stated): gnomAD 0.00003; TOPMed 0.00003; gnomAD exomes 0.00004; ExAC 0.00006; ESP Exome Variant Server 0.00008.
gnomAD v4.1: 65 of 1,613,940 alleles (0.004%); highest among the groups gnomAD compares: Middle Eastern, 0.066%; no homozygotes.

Submissions (2):

Ambry Genetics
Classification: Likely benign for Inborn genetic diseases. Last evaluated: 2023-02-15. Review status: criteria provided, single submitter. Criteria: Ambry Variant Classification Scheme 2023. Collection method: clinical testing. Allele origin: germline.

Labcorp Genetics (formerly Invitae), Labcorp
Classification: Uncertain significance for Megalencephaly-polymicrogyria-postaxial polydactyly-hydrocephalus syndrome. Last evaluated: 2022-08-23. Review status: criteria provided, single submitter. Criteria: Invitae Variant Classification Sherloc (09022015). Collection method: clinical testing. Allele origin: germline.
Comment: Advanced modeling of protein sequence and biophysical properties (such as structural, functional, and spatial information, amino acid conservation, physicochemical variation, residue mobility, and thermodynamic stability) performed at Invitae indicates that this missense variant is not expected to disrupt PIK3R2 protein function. This sequence change replaces serine, which is neutral and polar, with asparagine, which is neutral and polar, at codon 276 of the PIK3R2 protein (p.Ser276Asn). The frequency data for this variant in the population databases is considered unreliable, as metrics indicate poor data quality at this position in the gnomAD database. This variant has not been reported in the literature in individuals affected with PIK3R2-related conditions. In summary, the available evidence is currently insufficient to determine the role of this variant in disease. Therefore, it has been classified as a Variant of Uncertain Significance.

NM_005027.4(PIK3R2):c.827G>A (p.Ser276Asn)

Gene: PIK3R2 (phosphoinositide-3-kinase regulatory subunit 2; plus strand). Cytogenetic location: 19p13.11.
Variant type: single nucleotide variant.
Coding change: c.827G>A on transcript NM_005027.4 (MANE Select); coding-DNA position 827, G replaced by A.
Protein change: p.Ser276Asn; replaces serine 276 with asparagine.
Molecular consequence: missense variant. On other transcripts: non-coding transcript variant (2).
Genome position (GRCh38, 1-based): chr19:18,161,977, G>A. VCF-style: chr19-18161977-G-A. GRCh37 (hg19) VCF-style: chr19-18272787-G-A.
Other names: c.827G>A (NM_005027.2); short protein forms S276N.
Identifiers: ClinVar variation 2086146 (VCV002086146.6), dbSNP rs371208019, ClinGen allele CA9306821.